The following is an entry in ClinVar:

NM_147127.5(EVC2):c.1471-68C>T

Gene: EVC2 (EvC ciliary complex subunit 2; minus strand). Cytogenetic location: 4p16.2.
Variant type: single nucleotide variant.
Coding change: c.1471-68C>T on transcript NM_147127.5 (MANE Select); 68 bases into the intron before coding-DNA position 1471, C replaced by T.
Molecular consequence: intron variant.
Genome position (GRCh38, 1-based): chr4:5,632,100, G>A on the plus strand (C>T on the coding strand, the complement: EVC2 is on the minus strand). VCF-style: chr4-5632100-G-A. GRCh37 (hg19) VCF-style: chr4-5633827-G-A.
Other names: c.1231-68C>T (NM_001166136.2).
Identifiers: ClinVar variation 675035 (VCV000675035.2), dbSNP rs76589199, ClinGen allele CA91714287.

ClinVar aggregate classification (germline): Benign. Review status: criteria provided, multiple submitters, no conflicts (2 of 4 stars). 2 submissions from 2 submitters: Benign (2). Last evaluated 2018-06-14.

Allele frequency attached by ClinVar (database versions not stated): gnomAD exomes 0.00665; gnomAD 0.06173 and 0.06622; 1000 Genomes Project 0.06969; 1000 Genomes Project 30x 0.07214; TOPMed 0.07225.
gnomAD v4.1: 19,596 of 1,597,580 alleles (1.2%); highest among the groups gnomAD compares: African/African-American, 21%; 1,736 homozygotes.

Submissions (2):

GeneDx
Classification: Benign. Last evaluated: 2018-06-14. Review status: criteria provided, single submitter. Criteria: GeneDx Variant Classification (06012015). Collection method: clinical testing. Allele origin: germline. Affected: yes.
Comment: This variant is considered likely benign or benign based on one or more of the following criteria: it is a conservative change, it occurs at a poorly conserved position in the protein, it is predicted to be benign by multiple in silico algorithms, and/or has population frequency not consistent with disease.

Breakthrough Genomics
Classification: Benign. Review status: criteria provided, single submitter. Criteria: ACMG Guidelines, 2015. Collection method: not provided. Allele origin: germline. Inheritance: Autosomal recessive inheritance. Affected: yes.